The following is an entry in ClinVar:

ClinVar aggregate classification (germline): Uncertain significance (1 of 4 stars; one submission).

Submission:

Ambry Genetics
Classification: Uncertain significance. Last evaluated: 2025-11-12. Review status: criteria provided, single submitter. Criteria: Ambry Variant Classification Scheme 2023. Collection method: clinical testing. Allele origin: germline.
Comment: The p.P734A variant (also known as c.2200C>G), located in coding exon 8 of the RNF43 gene, results from a C to G substitution at nucleotide position 2200. The proline at codon 734 is replaced by alanine, an amino acid with highly similar properties. This amino acid position is conserved. In addition, this alteration is predicted to be tolerated by in silico analysis. Based on the available evidence, the clinical significance of this variant remains unclear.

NM_017763.6(RNF43):c.2200C>G (p.Pro734Ala)

Gene: RNF43 (ring finger protein 43; minus strand). Cytogenetic location: 17q22.
Variant type: single nucleotide variant.
Coding change: c.2200C>G on transcript NM_017763.6 (MANE Select); coding-DNA position 2200, C replaced by G.
Protein change: p.Pro734Ala; replaces proline 734 with alanine.
Molecular consequence: missense variant.
Genome position (GRCh38, 1-based): chr17:58,357,576, G>C on the plus strand (C>G on the coding strand, the complement: RNF43 is on the minus strand). VCF-style: chr17-58357576-G-C. GRCh37 (hg19) VCF-style: chr17-56434937-G-C.
Other names: c.2200C>G, p.Pro734Ala (NM_001305544.3, NM_001438820.1, NM_001438821.1 and 1 more transcripts); c.1819C>G, p.Pro607Ala (NM_001305545.2, NM_001437987.1); short protein forms P607A, P734A.
Identifiers: ClinVar variation 4578993 (VCV004578993.1).
Genomic context (GRCh38, chr17:58,357,576, plus strand): 5'-CCTCTGCGGTGTCAGAACTCCATTCAGAAGGCCCCTCCCCAGGTGGATGTGGTTCCAGGG[G>C]CTGGCGAGGAGTCAGGCACAACCACACTGGCTGTGAATTTGAGTAACAGGGGCCTGGGGT-3'
Protein context (NP_060233.3, residues 724-744): PVWLCLTPRQ[Pro734Ala]LEPHPPGEGP